The following is an entry in ClinVar:

NM_000321.3(RB1):c.-147G>A

Gene: RB1 (RB transcriptional corepressor 1; plus strand). Cytogenetic location: 13q14.2.
Variant type: single nucleotide variant.
Coding change: c.-147G>A on transcript NM_000321.3 (MANE Select); 147 bases upstream of the start codon, G replaced by A.
Molecular consequence: 5 prime UTR variant.
Genome position (GRCh38, 1-based): chr13:48,303,766, G>A. VCF-style: chr13-48303766-G-A. GRCh37 (hg19) VCF-style: chr13-48877902-G-A.
Other names: c.-147G>A (NM_001407165.1, NM_001407166.1, NM_001407167.1).
Identifiers: ClinVar variation 2712482 (VCV002712482.3), dbSNP rs1952049346, ClinGen allele CA955794724.

ClinVar aggregate classification (germline): Uncertain significance (1 of 4 stars; one submission).

Conditions:
Retinoblastoma (RB1). Also called: RETINOBLASTOMA, SOMATIC. Identifiers: Orphanet 790, MedGen C0035335, MeSH D012175, MONDO:0008380, OMIM 180200, HP:0009919. Disease mechanism: loss of function. Inheritance: Both sporadic and heritable forms are tested..

Allele frequency attached by ClinVar (database versions not stated): gnomAD exomes below 0.00001; gnomAD 0.00001; TOPMed 0.00001.
gnomAD v4.1: 4 of 1,254,964 alleles (0.00032%); highest among the groups gnomAD compares: Non-Finnish European, 0.00043%; no homozygotes.

Submission:

Labcorp Genetics (formerly Invitae), Labcorp
Classification: Uncertain significance for Retinoblastoma. Last evaluated: 2026-01-31. Review status: criteria provided, single submitter. Criteria: Invitae Variant Classification Sherloc (09022015). Collection method: clinical testing. Allele origin: germline.
Comment: This variant occurs in a non-coding region of the RB1 gene. It does not change the encoded amino acid sequence of the RB1 protein. This variant is not present in population databases (gnomAD no frequency). This variant has not been reported in the literature in individuals affected with RB1-related conditions. ClinVar contains an entry for this variant (Variation ID: 2712482). In summary, the available evidence is currently insufficient to determine the role of this variant in disease. Therefore, it has been classified as a Variant of Uncertain Significance.